The following is an entry in ClinVar:

ClinVar aggregate classification (germline): Uncertain significance (1 of 4 stars; one submission).

Conditions:
Hereditary cancer-predisposing syndrome. Also called: Hereditary Cancer Syndrome; Hereditary neoplastic syndrome; Neoplastic Syndromes, Hereditary; Tumor predisposition. Identifiers: Orphanet 140162, MedGen C0027672, MeSH D009386, MONDO:0015356.

Submission:

Ambry Genetics
Classification: Uncertain significance for Hereditary cancer-predisposing syndrome. Last evaluated: 2020-03-17. Review status: criteria provided, single submitter. Criteria: Ambry Variant Classification Scheme 2023. Collection method: clinical testing. Allele origin: germline.
Comment: The p.E474G variant (also known as c.1421A>G), located in coding exon 13 of the NF2 gene, results from an A to G substitution at nucleotide position 1421. The glutamic acid at codon 474 is replaced by glycine, an amino acid with similar properties. This amino acid position is highly conserved in available vertebrate species. In addition, this alteration is predicted to be deleterious by in silico analysis. Since supporting evidence is limited at this time, the clinical significance of this alteration remains unclear.

NM_000268.4(NF2):c.1421A>G (p.Glu474Gly)

Gene: NF2 (NF2, moesin-ezrin-radixin like (MERLIN) tumor suppressor; plus strand). Cytogenetic location: 22q12.2.
Variant type: single nucleotide variant.
Coding change: c.1421A>G on transcript NM_000268.4 (MANE Select); coding-DNA position 1421, A replaced by G.
Protein change: p.Glu474Gly; replaces glutamic acid 474 with glycine.
Molecular consequence: missense variant. On other transcripts: non-coding transcript variant (1), intron variant (1).
Genome position (GRCh38, 1-based): chr22:29,674,916, A>G. VCF-style: chr22-29674916-A-G. GRCh37 (hg19) VCF-style: chr22-30070905-A-G.
Other names: c.1286A>G, p.Glu429Gly (NM_001407059.1, NM_001407057.1); c.1421A>G, p.Glu474Gly (NM_001407060.1, NM_001407066.1, NM_016418.5 and 2 more transcripts); c.1172A>G, p.Glu391Gly (NM_001407063.1, NM_001407064.1, NM_181830.3 and 1 more transcripts); c.887A>G, p.Glu296Gly (NM_001407065.1); c.1163A>G, p.Glu388Gly (NM_001407062.1); c.1307A>G, p.Glu436Gly (NM_001407053.1, NM_001407056.1); c.1298A>G, p.Glu433Gly (NM_001407054.1, NM_001407058.1, NM_181829.3); c.1295A>G, p.Glu432Gly (NM_001407055.1, NM_181828.3); and 2 more; short protein forms E388G, E391G, E397G, E436G, E474G, E432G, E433G, E429G.
Identifiers: ClinVar variation 1772264 (VCV001772264.2), dbSNP rs2147093497, ClinGen allele CA411149148.